The following is an entry in ClinVar:

ClinVar aggregate classification (germline): Benign/Likely benign. Review status: criteria provided, multiple submitters, no conflicts (2 of 4 stars). 3 submissions from 3 submitters: Benign (1); Likely benign (2). Last evaluated 2026-08-01.

Allele frequency attached by ClinVar (database versions not stated): gnomAD exomes 0.00085; 1000 Genomes Project 30x 0.00312; gnomAD 0.00314 and 0.00328; TOPMed 0.00336; 1000 Genomes Project 0.00339; ESP Exome Variant Server 0.00507.
gnomAD v4.1: 887 of 1,614,028 alleles (0.055%); highest among the groups gnomAD compares: African/African-American, 1%; 6 homozygotes.

Submissions (3):

CeGaT Center for Human Genetics Tuebingen
Classification: Likely benign. Last evaluated: 2026-08-01. Review status: criteria provided, single submitter. Criteria: CeGaT Center For Human Genetics Tuebingen Variant Classification Criteria Version 2. Collection method: clinical testing. Allele origin: germline. Affected: yes. Observed: 2 variant alleles.
Comment: WDR11: BS1

Labcorp Genetics (formerly Invitae), Labcorp
Classification: Benign. Last evaluated: 2025-10-02. Review status: criteria provided, single submitter. Criteria: Invitae Variant Classification Sherloc (09022015). Collection method: clinical testing. Allele origin: germline.

Blueprint Genetics
Classification: Likely benign. Last evaluated: 2024-08-06. Review status: criteria provided, single submitter. Criteria: ACMG Guidelines, 2015. Collection method: clinical testing. Allele origin: germline.

NM_018117.12(WDR11):c.537C>T (p.Ser179=)

Gene: WDR11 (WD repeat domain 11; plus strand). Cytogenetic location: 10q26.12.
Variant type: single nucleotide variant.
Coding change: c.537C>T on transcript NM_018117.12 (MANE Select); coding-DNA position 537, C replaced by T.
Protein change: p.Ser179=; no amino-acid change (serine 179 retained).
Molecular consequence: synonymous variant.
Genome position (GRCh38, 1-based): chr10:120,862,745, C>T. VCF-style: chr10-120862745-C-T. GRCh37 (hg19) VCF-style: chr10-122622257-C-T.
Identifiers: ClinVar variation 702912 (VCV000702912.12), dbSNP rs138588847, ClinGen allele CA5719478.
Genomic context (GRCh38, chr10:120,862,745, plus strand): 5'-ATGCTAAACTTCATTAAACTTTAATCAGAGTTTTGCTTTTCTCAATATAGTGCTTACCAG[C>T]GAGGGTATTGTTTTCATCTCAGACTTCTCCCCATCCAAGCCTCCCTCAGGCCCTGGGAAA-3'
Protein context (NP_060587.8, residues 169-189): FDPSHLTLLT[Ser179=]EGIVFISDFS